The following is an entry in ClinVar:

ClinVar aggregate classification (germline): Uncertain significance. Review status: criteria provided, multiple submitters, no conflicts (2 of 4 stars). 2 submissions from 2 submitters: Uncertain significance (2). Last evaluated 2025-12-16.

gnomAD v4.1: 4 of 1,583,560 alleles (0.00025%); highest among the groups gnomAD compares: Non-Finnish European, 0.00034%; no homozygotes.

Submissions (2):

Ambry Genetics
Classification: Uncertain significance. Last evaluated: 2025-12-16. Review status: criteria provided, single submitter. Criteria: Ambry Variant Classification Scheme 2023. Collection method: clinical testing. Allele origin: germline.

Labcorp Genetics (formerly Invitae), Labcorp
Classification: Uncertain significance. Last evaluated: 2025-03-31. Review status: criteria provided, single submitter. Criteria: Invitae Variant Classification Sherloc (09022015). Collection method: clinical testing. Allele origin: germline.
Comment: This sequence change replaces serine, which is neutral and polar, with arginine, which is basic and polar, at codon 1538 of the NIN protein (p.Ser1538Arg). This variant is not present in population databases (gnomAD no frequency). This variant has not been reported in the literature in individuals affected with NIN-related conditions. An algorithm developed to predict the effect of missense changes on protein structure and function (PolyPhen-2) suggests that this variant is likely to be tolerated. In summary, the available evidence is currently insufficient to determine the role of this variant in disease. Therefore, it has been classified as a Variant of Uncertain Significance.

NM_020921.4(NIN):c.4612A>C (p.Ser1538Arg)

Gene: NIN (ninein; minus strand). Cytogenetic location: 14q22.1.
Variant type: single nucleotide variant.
Coding change: c.4612A>C on transcript NM_020921.4 (MANE Select); coding-DNA position 4612, A replaced by C.
Protein change: p.Ser1538Arg; replaces serine 1538 with arginine.
Molecular consequence: missense variant.
Genome position (GRCh38, 1-based): chr14:50,754,794, T>G on the plus strand (A>C on the coding strand, the complement: NIN is on the minus strand). VCF-style: chr14-50754794-T-G. GRCh37 (hg19) VCF-style: chr14-51221512-T-G.
Other names: c.4612A>C (NM_020921.3); c.2473A>C, p.Ser825Arg (NM_016350.5); c.4612A>C, p.Ser1538Arg (NM_182944.3, NM_182946.2); short protein forms S825R, S1538R.
Identifiers: ClinVar variation 4695961 (VCV004695961.2).